The following is an entry in ClinVar:

ClinVar aggregate classification (germline): Benign (1 of 4 stars; one submission).

Allele frequency attached by ClinVar (database versions not stated): ESP Exome Variant Server 0.00531; 1000 Genomes Project 0.01078; 1000 Genomes Project 30x 0.01109.
gnomAD v4.1: 4,828 of 1,614,068 alleles (0.3%); highest among the groups gnomAD compares: Middle Eastern, 2%; 33 homozygotes.

Submission:

CeGaT Center for Human Genetics Tuebingen
Classification: Benign. Last evaluated: 2023-02-01. Review status: criteria provided, single submitter. Criteria: CeGaT Center For Human Genetics Tuebingen Variant Classification Criteria Version 2. Collection method: clinical testing. Allele origin: germline. Affected: yes. Observed: 1 variant allele.
Comment: TBPL2: BP4, BP7, BS1, BS2

NM_199047.3(TBPL2):c.768C>T (p.Leu256=)

Genes: FBXO34 (F-box protein 34; plus strand), TBPL2 (TATA-box binding protein like 2; minus strand). Cytogenetic location: 14q22.3.
Variant type: single nucleotide variant.
Coding change: c.768C>T on transcript NM_199047.3 (MANE Select); coding-DNA position 768, C replaced by T.
Protein change: p.Leu256=; no amino-acid change (leucine 256 retained).
Molecular consequence: synonymous variant.
Genome position (GRCh38, 1-based): chr14:55,428,899, G>A on the plus strand (C>T on the coding strand, the complement: TBPL2 is on the minus strand). VCF-style: chr14-55428899-G-A. GRCh37 (hg19) VCF-style: chr14-55895617-G-A.
Identifiers: ClinVar variation 2644254 (VCV002644254.24), dbSNP rs149307233, ClinGen allele CA7197386.